The following is an entry in ClinVar:

ClinVar aggregate classification (germline): Uncertain significance (1 of 4 stars; one submission).

Conditions:
Pancreatic adenocarcinoma. Identifiers: MedGen C0281361, MONDO:0006047, HP:0006725.

Allele frequency attached by ClinVar (database versions not stated): TOPMed below 0.00001.

Submission:

Labcorp Genetics (formerly Invitae), Labcorp
Classification: Uncertain significance for Pancreatic adenocarcinoma. Last evaluated: 2021-04-21. Review status: criteria provided, single submitter. Criteria: Invitae Variant Classification Sherloc (09022015). Collection method: clinical testing. Allele origin: germline.
Comment: This variant has not been reported in the literature in individuals with PALLD-related conditions. In summary, the available evidence is currently insufficient to determine the role of this variant in disease. Therefore, it has been classified as a Variant of Uncertain Significance. Algorithms developed to predict the effect of missense changes on protein structure and function (SIFT, PolyPhen-2, Align-GVGD) all suggest that this variant is likely to be tolerated, but these predictions have not been confirmed by published functional studies and their clinical significance is uncertain. The frequency data for this variant in the population databases is considered unreliable, as metrics indicate insufficient coverage at this position in the ExAC database. This sequence change replaces proline with alanine at codon 151 of the PALLD protein (p.Pro151Ala). The proline residue is weakly conserved and there is a small physicochemical difference between proline and alanine.

NM_001166108.2(PALLD):c.1965-12580C>G

Gene: PALLD (palladin, cytoskeletal associated protein; plus strand). Cytogenetic location: 4q32.3.
Variant type: single nucleotide variant.
Coding change: c.1965-12580C>G on transcript NM_001166108.2 (MANE Select); 12580 bases into the intron before coding-DNA position 1965, C replaced by G.
Molecular consequence: intron variant. On other transcripts: missense variant (1).
Genome position (GRCh38, 1-based): chr4:168,878,342, C>G. VCF-style: chr4-168878342-C-G. GRCh37 (hg19) VCF-style: chr4-169799493-C-G.
Other names: c.451C>G, p.Pro151Ala (NM_001166110.2); c.1965-12580C>G (NM_016081.4); c.819-12580C>G (NM_001166109.2); c.-157-12580C>G (NM_001367570.1, NM_001367568.1, NM_001367567.1 and 1 more transcripts); short protein forms P151A.
Identifiers: ClinVar variation 1407896 (VCV001407896.8), dbSNP rs1752110315, ClinGen allele CA358796708.